The following is an entry in ClinVar:

ClinVar aggregate classification (germline): Conflicting classifications of pathogenicity. Review status: criteria provided, conflicting classifications (1 of 4 stars). 3 submissions from 3 submitters: Uncertain significance (2); Likely benign (1). Last evaluated 2026-07-24.

Conditions:
Ehlers-Danlos syndrome, type 4 (EDSVASC). Also called: Ehlers-Danlos Syndrome Type IV; Ehlers-Danlos syndrome vascular type; Ehlers Danlos syndrome, ecchymotic type; Ehlers Danlos syndrome, arterial type; Ehlers Danlos syndrome, Sack-Barabas type. Identifiers: Orphanet 286, MedGen C0268338, MONDO:0017314, OMIM 130050.
Familial thoracic aortic aneurysm and aortic dissection (TAAD). Also called: Thoracic aortic aneurysms and dissections. Identifiers: Orphanet 91387, MedGen C4707243, MONDO:0019625.

Allele frequency attached by ClinVar (database versions not stated): gnomAD exomes below 0.00001 and 0.00001; TOPMed below 0.00001.
gnomAD v4.1: 20 of 1,614,224 alleles (0.0012%); highest among the groups gnomAD compares: East Asian, 0.0022%; no homozygotes.

Submissions (3):

Ambry Genetics
Classification: Likely benign for Familial thoracic aortic aneurysm and aortic dissection. Last evaluated: 2026-07-24. Review status: criteria provided, single submitter. Criteria: Ambry Variant Classification Scheme 2023. Collection method: clinical testing. Allele origin: germline.

GeneDx
Classification: Uncertain significance. Last evaluated: 2026-06-08. Review status: criteria provided, single submitter. Criteria: GeneDx Variant Classification Process June 2021. Collection method: clinical testing. Allele origin: germline.
Comment: Has not been previously published as pathogenic or benign to our knowledge; Not observed at significant frequency in large population cohorts (gnomAD); In silico analysis indicates that this missense variant does not alter protein structure/function; Not located in the triple helical region, where the majority of pathogenic missense variants occur (HGMD)

Labcorp Genetics (formerly Invitae), Labcorp
Classification: Uncertain significance for Ehlers-Danlos syndrome, type 4. Last evaluated: 2026-01-30. Review status: criteria provided, single submitter. Criteria: Invitae Variant Classification Sherloc (09022015). Collection method: clinical testing. Allele origin: germline.
Comment: This sequence change replaces asparagine, which is neutral and polar, with serine, which is neutral and polar, at codon 1309 of the COL3A1 protein (p.Asn1309Ser). This variant is present in population databases (no rsID available, gnomAD 0.0009%). This variant has not been reported in the literature in individuals affected with COL3A1-related conditions. ClinVar contains an entry for this variant (Variation ID: 404302). Invitae Evidence Modeling of protein sequence and biophysical properties (such as structural, functional, and spatial information, amino acid conservation, physicochemical variation, residue mobility, and thermodynamic stability) indicates that this missense variant is not expected to disrupt COL3A1 protein function with a negative predictive value of 95%. In summary, the available evidence is currently insufficient to determine the role of this variant in disease. Therefore, it has been classified as a Variant of Uncertain Significance.

NM_000090.4(COL3A1):c.3926A>G (p.Asn1309Ser)

Gene: COL3A1 (collagen type III alpha 1 chain; plus strand). Cytogenetic location: 2q32.2.
Variant type: single nucleotide variant.
Coding change: c.3926A>G on transcript NM_000090.4 (MANE Select); coding-DNA position 3926, A replaced by G.
Protein change: p.Asn1309Ser; replaces asparagine 1309 with serine.
Molecular consequence: missense variant.
Genome position (GRCh38, 1-based): chr2:189,010,280, A>G. VCF-style: chr2-189010280-A-G. GRCh37 (hg19) VCF-style: chr2-189875006-A-G.
Other names: short protein forms N1309S.
Identifiers: ClinVar variation 404302 (VCV000404302.13), dbSNP rs1060500201, ClinGen allele CA16610667.